The following is an entry in ClinVar:

ClinVar aggregate classification (germline): Uncertain significance. Review status: criteria provided, multiple submitters, no conflicts (2 of 4 stars). 2 submissions from 2 submitters: Uncertain significance (2). Last evaluated 2025-08-20.

Conditions:
Inborn genetic diseases. Identifiers: MedGen C0950123, MeSH D030342.

Allele frequency attached by ClinVar (database versions not stated): TOPMed below 0.00001.

Submissions (2):

Labcorp Genetics (formerly Invitae), Labcorp
Classification: Uncertain significance. Last evaluated: 2025-08-20. Review status: criteria provided, single submitter. Criteria: Invitae Variant Classification Sherloc (09022015). Collection method: clinical testing. Allele origin: germline.
Comment: This sequence change replaces histidine, which is basic and polar, with arginine, which is basic and polar, at codon 263 of the PPP2R5D protein (p.His263Arg). This variant is not present in population databases (gnomAD no frequency). This variant has not been reported in the literature in individuals affected with PPP2R5D-related conditions. ClinVar contains an entry for this variant (Variation ID: 985147). An algorithm developed to predict the effect of missense changes on protein structure and function (PolyPhen-2) suggests that this variant is likely to be disruptive. In summary, the available evidence is currently insufficient to determine the role of this variant in disease. Therefore, it has been classified as a Variant of Uncertain Significance.

Ambry Genetics
Classification: Uncertain significance for Inborn genetic diseases. Last evaluated: 2023-10-13. Review status: criteria provided, single submitter. Criteria: Ambry Variant Classification Scheme 2023. Collection method: clinical testing. Allele origin: germline.
Comment: The c.788A>G (p.H263R) alteration is located in coding exon 7 of the PPP2R5D gene. This alteration results from a A to G substitution at nucleotide position 788, causing the histidine (H) at amino acid position 263 to be replaced by an arginine (R). This variant was not reported in population-based cohorts in the Genome Aggregation Database (gnomAD). This amino acid position is highly conserved in available vertebrate species. This missense alteration is located in a region that has a low rate of benign missense variation (Lek, 2016; Firth, 2009). The in silico prediction for this alteration is inconclusive. Based on insufficient or conflicting evidence, the clinical significance of this alteration remains unclear.

NM_006245.4(PPP2R5D):c.788A>G (p.His263Arg)

Gene: PPP2R5D (protein phosphatase 2 regulatory subunit B'delta; plus strand). Cytogenetic location: 6p21.1.
Variant type: single nucleotide variant.
Coding change: c.788A>G on transcript NM_006245.4 (MANE Select); coding-DNA position 788, A replaced by G.
Protein change: p.His263Arg; replaces histidine 263 with arginine.
Molecular consequence: missense variant.
Genome position (GRCh38, 1-based): chr6:43,007,996, A>G. VCF-style: chr6-43007996-A-G. GRCh37 (hg19) VCF-style: chr6-42975734-A-G.
Other names: c.335A>G, p.His112Arg (NM_001270476.2); c.692A>G, p.His231Arg (NM_180976.3); c.470A>G, p.His157Arg (NM_180977.3); short protein forms H112R, H157R, H231R, H263R.
Identifiers: ClinVar variation 985147 (VCV000985147.6), dbSNP rs1762180593, ClinGen allele CA364189547.